The following is an entry in ClinVar:

NM_005235.3(ERBB4):c.884-7del

Gene: ERBB4 (erb-b2 receptor tyrosine kinase 4; minus strand). Cytogenetic location: 2q34.
Variant type: Deletion.
Coding change: c.884-7del on transcript NM_005235.3 (MANE Select); 7 bases into the intron before coding-DNA position 884, one base deleted (T; older notation c.884-7delT).
Molecular consequence: intron variant.
Genome position (GRCh38, 1-based): chr2:211,713,655, A deleted on the plus strand (T on the coding strand, the reverse complement: ERBB4 is on the minus strand); the first of 14 consecutive A bases (chr2:211,713,655-211,713,668); deleting any one gives the same sequence. VCF-style (leftmost placement, unchanged base first): chr2-211713654-TA-T. GRCh37 (hg19) VCF-style: chr2-212578379-TA-T.
Other names: p.?; c.884-7del (NM_005235.2, NM_001042599.2, NM_001439006.1 and 1 more transcripts).
Identifiers: ClinVar variation 769264 (VCV000769264.10), dbSNP rs67894136, ClinGen allele CA2088293.
Genomic context (GRCh38, chr2:211,713,654, plus strand): 5'-ATCTTGGAACTAGGGCAGGCACGCACACAAGAACTGGAATCTACCACAAAGTTATCTGAT[TA>T]AAAAAAAAAAAAAGGTAAAATAAGCATTAATGTTAACATTCAGCAAACAAGCTCAAAACA-3'

ClinVar aggregate classification (germline): Benign. Review status: criteria provided, multiple submitters, no conflicts (2 of 4 stars). 5 submissions from 5 submitters: Benign (5). Last evaluated 2024-07-15.

Conditions:
Amyotrophic lateral sclerosis type 19. Identifiers: Orphanet 803, MedGen C3715155, MONDO:0014223, OMIM 615515.

Submissions (5):

Unidad de Genómica Garrahan, Hospital de Pediatría Garrahan
Classification: Benign. Last evaluated: 2024-07-15. Review status: criteria provided, single submitter. Criteria: ACMG Guidelines, 2015. Collection method: clinical testing. Allele origin: germline. Affected: no. Observed: 55 variant alleles.
Comment: This variant is classified as Benign based on local population frequency. This variant was detected in 59% of patients studied in a panel designed for Epileptic and Developmental Encephalopathy and Progressive Myoclonus Epilepsy. Number of patients: 55. Only high quality variants are reported.

Genome-Nilou Lab
Classification: Benign for Amyotrophic lateral sclerosis type 19. Last evaluated: 2021-07-30. Review status: criteria provided, single submitter. Criteria: ACMG Guidelines, 2015. Collection method: clinical testing. Allele origin: germline. Affected: no.

GeneDx
Classification: Benign. Last evaluated: 2021-05-04. Review status: criteria provided, single submitter. Criteria: GeneDx Variant Classification Process June 2021. Collection method: clinical testing. Allele origin: germline. Affected: yes.

Labcorp Genetics (formerly Invitae), Labcorp
Classification: Benign. Last evaluated: 2019-12-11. Review status: criteria provided, single submitter. Criteria: Invitae Variant Classification Sherloc (09022015). Collection method: clinical testing. Allele origin: germline.

Mayo Clinic Laboratories, Mayo Clinic
Classification: Benign. Last evaluated: 2017-11-30. Review status: criteria provided, single submitter. Criteria: ACMG Guidelines, 2015. Collection method: clinical testing. Allele origin: germline. Observed: 482 variant alleles.